The following is an entry in ClinVar:

NM_001009944.3(PKD1):c.6131A>T (p.Asn2044Ile)

Gene: PKD1 (polycystin 1, transient receptor potential channel interacting; minus strand). Cytogenetic location: 16p13.3.
Variant type: single nucleotide variant.
Coding change: c.6131A>T on transcript NM_001009944.3 (MANE Select); coding-DNA position 6131, A replaced by T.
Protein change: p.Asn2044Ile; replaces asparagine 2044 with isoleucine.
Molecular consequence: missense variant.
Genome position (GRCh38, 1-based): chr16:2,109,036, T>A on the plus strand (A>T on the coding strand, the complement: PKD1 is on the minus strand). VCF-style: chr16-2109036-T-A. GRCh37 (hg19) VCF-style: chr16-2159037-T-A.
Other names: c.6131A>T, p.Asn2044Ile (NM_000296.4); short protein forms N2044I.
Identifiers: ClinVar variation 3764782 (VCV003764782.2).

ClinVar aggregate classification (germline): Uncertain significance. Review status: criteria provided, multiple submitters, no conflicts (2 of 4 stars). 2 submissions from 2 submitters: Uncertain significance (2). Last evaluated 2025-01-21.

Conditions:
Polycystic kidney disease, adult type (PKD1). Also called: Polycystic Kidney Disease 1, Autosomal Dominant; Polycystic kidney disease 1; Polycystic kidney disease 1, severe; POLYCYSTIC KIDNEY DISEASE, ADULT, TYPE I; Polycystic Kidney, Autosomal Dominant; POLYCYSTIC KIDNEY DISEASE 1 WITH OR WITHOUT POLYCYSTIC LIVER DISEASE. Identifiers: MedGen C3149841, MONDO:0008263, OMIM 173900.

Submissions (2):

MVZ Medizinische Genetik Mainz
Classification: Uncertain significance for Polycystic kidney disease, adult type. Last evaluated: 2025-01-21. Review status: criteria provided, single submitter. Criteria: UK Practice Guidelines For Variant Classification V4 01 2020. Collection method: clinical testing. Allele origin: germline. Inheritance: Autosomal dominant inheritance. Affected: yes. Observed: 1 variant allele.
Comment: ACMG Criteria: PP3_MOD,PM2_SUP,PP4

Department of Pathology and Laboratory Medicine, Sinai Health System
Classification: Uncertain significance for Polycystic kidney disease, adult type. Last evaluated: 2024-06-11. Review status: criteria provided, single submitter. Criteria: ACMG Guidelines, 2015. Collection method: clinical testing. Allele origin: germline. Affected: yes.